The following is an entry in ClinVar:

NM_000540.3(RYR1):c.8867C>T (p.Ala2956Val)

Gene: RYR1 (ryanodine receptor 1; plus strand). Cytogenetic location: 19q13.2.
Variant type: single nucleotide variant.
Coding change: c.8867C>T on transcript NM_000540.3 (MANE Select); coding-DNA position 8867, C replaced by T.
Protein change: p.Ala2956Val; replaces alanine 2956 with valine.
Molecular consequence: missense variant.
Genome position (GRCh38, 1-based): chr19:38,507,762, C>T. VCF-style: chr19-38507762-C-T. GRCh37 (hg19) VCF-style: chr19-38998402-C-T.
Other names: c.8867C>T, p.Ala2956Val (NM_001042723.2); short protein forms A2956V.
Identifiers: ClinVar variation 3385487 (VCV003385487.2).

ClinVar aggregate classification (germline): Uncertain significance. Review status: criteria provided, multiple submitters, no conflicts (2 of 4 stars). 2 submissions from 2 submitters: Uncertain significance (2). Last evaluated 2024-05-14.

Conditions:
Malignant hyperthermia, susceptibility to, 1 (MHS1). Also called: RYR1-Related Malignant Hyperthermia Susceptibility; Anesthesia related hyperthermia; Malignant hyperpyrexia; Fulminating hyperpyrexia; Pharmacogenic myopathy; Malignant hyperthermia suceptibility 1. Identifiers: Orphanet 423, MedGen C2930980, MONDO:0007783, OMIM 145600.

gnomAD v4.1: 1 of 1,613,936 alleles (0.000062%); highest among the groups gnomAD compares: Non-Finnish European, 0.000085%; no homozygotes.

Submissions (2):

All of Us Research Program, National Institutes of Health
Classification: Uncertain significance for Malignant hyperthermia, susceptibility to, 1. Last evaluated: 2024-05-14. Review status: criteria provided, single submitter. Criteria: ACMG Guidelines, 2015. Collection method: clinical testing. Allele origin: germline. Inheritance: Autosomal dominant inheritance. Observed: 1 variant allele, 1 heterozygote.
Comment: This missense variant replaces alanine with valine at codon 2956 of the RYR1 protein. Computational prediction is inconclusive regarding the impact of this variant on protein structure and function (internally defined REVEL score threshold 0.5 < inconclusive < 0.7, PMID: 27666373). To our knowledge, functional studies have not been reported for this variant. This variant has not been reported in individuals affected with RYR1-related disorders in the literature. This variant has not been identified in the general population by the Genome Aggregation Database (gnomAD). The available evidence is insufficient to determine the role of this variant in disease conclusively. Therefore, this variant is classified as a Variant of Uncertain Significance.

This study involves interpretation of variants in research participants for the purpose of population health screening. Participant phenotype was not available at the time of variant classification. Additional details can be found in publication PMID: 35346344, PMCID: PMC8962531

Blueprint Genetics
Classification: Uncertain significance. Last evaluated: 2022-12-20. Review status: criteria provided, single submitter. Criteria: ACMG Guidelines, 2015. Collection method: clinical testing. Allele origin: germline.